The following is an entry in ClinVar:

NM_001378969.1(KCND3):c.59T>A (p.Met20Lys)

Gene: KCND3 (potassium voltage-gated channel subfamily D member 3; minus strand). Cytogenetic location: 1p13.2.
Variant type: single nucleotide variant.
Coding change: c.59T>A on transcript NM_001378969.1 (MANE Select); coding-DNA position 59, T replaced by A.
Protein change: p.Met20Lys; replaces methionine 20 with lysine.
Molecular consequence: missense variant.
Genome position (GRCh38, 1-based): chr1:111,982,668, A>T on the plus strand (T>A on the coding strand, the complement: KCND3 is on the minus strand). VCF-style: chr1-111982668-A-T. GRCh37 (hg19) VCF-style: chr1-112525290-A-T.
Other names: c.59T>A, p.Met20Lys (NM_001378970.1, NM_004980.5, NM_172198.3); short protein forms M20K.
Identifiers: ClinVar variation 2447853 (VCV002447853.2), dbSNP rs2525714594, ClinGen allele CA341823003.

ClinVar aggregate classification (germline): Uncertain significance (1 of 4 stars; one submission).

Conditions:
Cardiovascular phenotype. Identifiers: MedGen CN230736.

Submission:

Ambry Genetics
Classification: Uncertain significance for Cardiovascular phenotype. Last evaluated: 2023-01-11. Review status: criteria provided, single submitter. Criteria: Ambry Variant Classification Scheme 2023. Collection method: clinical testing. Allele origin: germline.
Comment: The p.M20K variant (also known as c.59T>A), located in coding exon 1 of the KCND3 gene, results from a T to A substitution at nucleotide position 59. The methionine at codon 20 is replaced by lysine, an amino acid with similar properties. This amino acid position is conserved. In addition, this alteration is predicted to be deleterious by in silico analysis. Since supporting evidence is limited at this time, the clinical significance of this alteration remains unclear.